The following is an entry in ClinVar:

ClinVar aggregate classification (germline): Likely benign. Review status: criteria provided, multiple submitters, no conflicts (2 of 4 stars). 2 submissions from 2 submitters: Likely benign (2). Last evaluated 2026-04-04.

Conditions:
Hereditary cancer-predisposing syndrome. Also called: Tumor predisposition; Hereditary neoplastic syndrome; Neoplastic Syndromes, Hereditary; Hereditary Cancer Syndrome. Identifiers: Orphanet 140162, MedGen C0027672, MeSH D009386, MONDO:0015356.

Submissions (2):

Ambry Genetics
Classification: Likely benign for Hereditary cancer-predisposing syndrome. Last evaluated: 2026-04-04. Review status: criteria provided, single submitter. Criteria: Ambry Variant Classification Scheme 2023. Collection method: clinical testing. Allele origin: germline.

GeneDx
Classification: Likely benign. Last evaluated: 2017-08-10. Review status: criteria provided, single submitter. Criteria: GeneDx Variant Classification (06012015). Collection method: clinical testing. Allele origin: germline. Affected: yes.
Comment: This variant is considered likely benign or benign based on one or more of the following criteria: it is a conservative change, it occurs at a poorly conserved position in the protein, it is predicted to be benign by multiple in silico algorithms, and/or has population frequency not consistent with disease.

NM_007294.4(BRCA1):c.1986C>T (p.His662=)

Gene: BRCA1 (BRCA1 DNA repair associated; minus strand). Cytogenetic location: 17q21.31.
Variant type: single nucleotide variant.
Coding change: c.1986C>T on transcript NM_007294.4 (MANE Select); coding-DNA position 1986, C replaced by T.
Protein change: p.His662=; no amino-acid change (histidine 662 retained).
Molecular consequence: synonymous variant. On other transcripts: intron variant (137).
Genome position (GRCh38, 1-based): chr17:43,093,545, G>A on the plus strand (C>T on the coding strand, the complement: BRCA1 is on the minus strand). VCF-style: chr17-43093545-G-A. GRCh37 (hg19) VCF-style: chr17-41245562-G-A.
Other names: c.1773C>T, p.His591= (NM_001407571.1, NM_001407853.1, NM_001407894.1 and 9 more transcripts); c.1986C>T, p.His662= (NM_001407581.1, NM_001407582.1, NM_001407583.1 and 30 more transcripts); c.1983C>T, p.His661= (NM_001407587.1, NM_001407590.1, NM_001407591.1 and 22 more transcripts); c.1977C>T, p.His659= (NM_001407646.1, NM_001407647.1); c.1863C>T, p.His621= (NM_001407648.1, NM_001407664.1, NM_001407665.1 and 19 more transcripts); c.1860C>T, p.His620= (NM_001407649.1, NM_001407670.1, NM_001407671.1 and 11 more transcripts); c.1908C>T, p.His636= (NM_001407653.1, NM_001407654.1, NM_001407655.1 and 4 more transcripts); c.1905C>T, p.His635= (NM_001407659.1, NM_001407660.1, NM_001407661.1 and 1 more transcripts); and 40 more.
Identifiers: ClinVar variation 511446 (VCV000511446.3), dbSNP rs1555590719, ClinGen allele CA500233156.